The following is an entry in ClinVar:

NM_000548.5(TSC2):c.31T>C (p.Leu11=)

Gene: TSC2 (TSC complex subunit 2; plus strand). Cytogenetic location: 16p13.3.
Variant type: single nucleotide variant.
Coding change: c.31T>C on transcript NM_000548.5 (MANE Select); coding-DNA position 31, T replaced by C.
Protein change: p.Leu11=; no amino-acid change (leucine 11 retained).
Molecular consequence: synonymous variant. On other transcripts: 5 prime UTR variant (1), intron variant (1).
Genome position (GRCh38, 1-based): chr16:2,048,646, T>C. VCF-style: chr16-2048646-T-C. GRCh37 (hg19) VCF-style: chr16-2098647-T-C.
Other names: c.31T>C, p.Leu11= (NM_001077183.3, NM_001114382.3, NM_001318827.2 and 4 more transcripts); c.-196T>C (NM_001318831.2); c.64T>C, p.Leu22= (NM_001318832.2); c.-10+581T>C (NM_001318829.2); c.31T>C (NM_000548.4).
Identifiers: ClinVar variation 536078 (VCV000536078.36), dbSNP rs978517404, ClinGen allele CA276768580.

ClinVar aggregate classification (germline): Benign/Likely benign. Review status: criteria provided, multiple submitters, no conflicts (2 of 4 stars). 7 submissions from 7 submitters: Benign (2); Likely benign (5). Last evaluated 2025-06-29.

Conditions:
TSC2-related disorder. Also called: TSC2-related condition; TSC2-Related Disorders.
Hereditary cancer-predisposing syndrome. Also called: Hereditary Cancer Syndrome; Tumor predisposition; Neoplastic Syndromes, Hereditary; Hereditary neoplastic syndrome. Identifiers: Orphanet 140162, MedGen C0027672, MeSH D009386, MONDO:0015356.
Tuberous sclerosis 2 (TSC2). Identifiers: Orphanet 805, MedGen C1860707, MONDO:0013199, OMIM 613254.

Allele frequency attached by ClinVar (database versions not stated): gnomAD exomes below 0.00001; TOPMed 0.00002.
gnomAD v4.1: 1 of 1,613,894 alleles (0.000062%); highest among the groups gnomAD compares: Non-Finnish European, 0.000085%; no homozygotes.

Submissions (7):

Labcorp Genetics (formerly Invitae), Labcorp
Classification: Likely benign for Tuberous sclerosis 2. Last evaluated: 2025-06-29. Review status: criteria provided, single submitter. Criteria: Invitae Variant Classification Sherloc (09022015). Collection method: clinical testing. Allele origin: germline.

PreventionGenetics, part of Exact Sciences
Classification: Likely benign for TSC2-related condition. Last evaluated: 2025-05-06. Review status: criteria provided, single submitter. Criteria: ACMG Guidelines, 2015. Collection method: clinical testing. Allele origin: germline.
Comment: This variant is classified as likely benign based on ACMG/AMP sequence variant interpretation guidelines (Richards et al. 2015 PMID: 25741868, with internal and published modifications).

Myriad Genetics, Inc.
Classification: Benign for Tuberous sclerosis 2. Last evaluated: 2025-04-30. Review status: criteria provided, single submitter. Criteria: Myriad Autosomal Dominant, Autosomal Recessive and X-Linked Classification Criteria (2023). Collection method: clinical testing. Allele origin: unknown.
Comment: This variant is considered benign. This variant is a silent/synonymous amino acid change and it is not expected to impact splicing.

CeGaT Center for Human Genetics Tuebingen
Classification: Likely benign. Last evaluated: 2024-11-01. Review status: criteria provided, single submitter. Criteria: CeGaT Center For Human Genetics Tuebingen Variant Classification Criteria Version 2. Collection method: clinical testing. Allele origin: germline. Affected: yes. Observed: 1 variant allele.
Comment: TSC2: BP4, BP7

Genome-Nilou Lab
Classification: Benign for Tuberous sclerosis 2. Last evaluated: 2021-11-07. Review status: criteria provided, single submitter. Criteria: ACMG Guidelines, 2015. Collection method: clinical testing. Allele origin: germline. Affected: no.

GeneDx
Classification: Likely benign. Last evaluated: 2020-12-23. Review status: criteria provided, single submitter. Criteria: GeneDx Variant Classification Process June 2021. Collection method: clinical testing. Allele origin: germline. Affected: yes.

Ambry Genetics
Classification: Likely benign for Hereditary cancer-predisposing syndrome. Last evaluated: 2018-01-24. Review status: criteria provided, single submitter. Criteria: Ambry Variant Classification Scheme 2023. Collection method: clinical testing. Allele origin: germline.